The following is an entry in ClinVar:

ClinVar aggregate classification (germline): Uncertain significance. Review status: criteria provided, multiple submitters, no conflicts (2 of 4 stars). 3 submissions from 3 submitters: Uncertain significance (3). Last evaluated 2024-09-23.

Conditions:
Charcot-Marie-Tooth disease axonal type 2F (CMT2F). Also called: Charcot-Marie-Tooth Neuropathy Type 2F; CHARCOT-MARIE-TOOTH DISEASE, NEURONAL, TYPE 2F. Identifiers: Orphanet 99940, MedGen C1847823, MONDO:0011687, OMIM 606595.
Hereditary peripheral neuropathy. Also called: Genetic peripheral neuropathy. Identifiers: Orphanet 98497, MedGen C5681733, MONDO:0020127.

Submissions (3):

Labcorp Genetics (formerly Invitae), Labcorp
Classification: Uncertain significance for Charcot-Marie-Tooth disease axonal type 2F. Last evaluated: 2024-09-23. Review status: criteria provided, single submitter. Criteria: Invitae Variant Classification Sherloc (09022015). Collection method: clinical testing. Allele origin: germline.
Comment: This sequence change replaces arginine, which is basic and polar, with glutamine, which is neutral and polar, at codon 127 of the HSPB1 protein (p.Arg127Gln). This variant is not present in population databases (gnomAD no frequency). This missense change has been observed in individual(s) with HSPB1-related conditions (PMID: 35328016). ClinVar contains an entry for this variant (Variation ID: 533815). Invitae Evidence Modeling of protein sequence and biophysical properties (such as structural, functional, and spatial information, amino acid conservation, physicochemical variation, residue mobility, and thermodynamic stability) has been performed for this missense variant. However, the output from this modeling did not meet the statistical confidence thresholds required to predict the impact of this variant on HSPB1 protein function. This variant disrupts the p.Arg127 amino acid residue in HSPB1. Other variant(s) that disrupt this residue have been determined to be pathogenic (PMID: 15122254, 16215937, 20178975, 21983720, 22031878, 23728742, 25025039, 26675522). This suggests that this residue is clinically significant, and that variants that disrupt this residue are likely to be disease-causing. In summary, the available evidence is currently insufficient to determine the role of this variant in disease. Therefore, it has been classified as a Variant of Uncertain Significance.

Women's Health and Genetics/Laboratory Corporation of America, LabCorp
Classification: Uncertain significance. Last evaluated: 2023-09-13. Review status: criteria provided, single submitter. Criteria: LabCorp Variant Classification Summary - May 2015. Collection method: clinical testing. Allele origin: germline.
Comment: Variant summary: HSPB1 c.380G>A (p.Arg127Gln) results in a conservative amino acid change located in the Alpha crystallin/Hsp20 domain (IPR002068) of the encoded protein sequence. Three of five in-silico tools predict a damaging effect of the variant on protein function. The variant was absent in 248848 control chromosomes (gnomAD). The available data on variant occurrences in the general population are insufficient to allow any conclusion about variant significance. c.380G>A has been reported in the literature as a biallelic genotype in at least one individual affected with Distal Neuropathy (Lim_2022). This individual presented as a sporadic case, with no family history of disease, including 2 unaffected children confirmed to be carrying the variant of interest. Currently, Charcot-Marie-Tooth disease, axonal, type 2F (MIM 606595) and Neuronopathy, distal hereditary motor, type IIB (MIM 608634) are both considered autosomal dominant disorders. These data do not allow any conclusion about variant significance. To our knowledge, no experimental evidence demonstrating an impact on protein function has been reported. The following publication have been ascertained in the context of this evaluation (PMID: 35328016). Two ClinVar submitters have assessed the variant since 2014, and both classified the variant as uncertain significance. Based on the evidence outlined above, the variant was classified as uncertain significance.

Molecular Genetics, Royal Melbourne Hospital
Classification: Uncertain significance for Hereditary peripheral neuropathy. Last evaluated: 2023-03-30. Review status: criteria provided, single submitter. Criteria: ACMG Guidelines, 2015. Collection method: clinical testing. Allele origin: germline. Affected: yes.
Comment: This sequence change is predicted to replace arginine with glutamine at codon 127 of the HSPB1 protein (p.(Arg127Gln)). The arginine residue is moderately conserved (100 vertebrates, UCSC), and is located in the alpha-crystallin domain (ACD). The residue is invariant in human heatshock proteins (PMID: 30842409). There is a small physicochemical difference between arginine and glutamine. The variant is absent in a large population cohort (gnomAD v2.1 and v3.1), and has been identified in at least 3 probands with neuropathy (Invitae, Royal Melbourne Hospital). Multiple lines of computational evidence predict a deleterious effect for the missense substitution (6/6 algorithms). Two pathogenic variants with a larger physicochemical difference have been reported at this position (ClinVar; p.Arg217Trp, p.Arg127Leu). Based on the classification scheme RMH Modified ACMG Guidelines v1.4.0, this variant is classified as a VARIANT OF UNCERTAIN SIGNIFICANCE. Following criteria are met: PM1, PS4_Supporting, PM2_Supporting, PP3.

Literature cited by the submitters: PubMed 35328016 (cited by Labcorp Genetics (formerly Invitae), Labcorp and Women's Health and Genetics/Laboratory Corporation of America, LabCorp); PubMed 15122254 (cited by Labcorp Genetics (formerly Invitae), Labcorp); PubMed 16215937 (cited by Labcorp Genetics (formerly Invitae), Labcorp); PubMed 20178975 (cited by Labcorp Genetics (formerly Invitae), Labcorp); PubMed 21983720 (cited by Labcorp Genetics (formerly Invitae), Labcorp); PubMed 22031878 (cited by Labcorp Genetics (formerly Invitae), Labcorp); PubMed 23728742 (cited by Labcorp Genetics (formerly Invitae), Labcorp); PubMed 25025039 (cited by Labcorp Genetics (formerly Invitae), Labcorp); PubMed 26675522 (cited by Labcorp Genetics (formerly Invitae), Labcorp); PubMed 30842409 (cited by Molecular Genetics, Royal Melbourne Hospital).

NM_001540.5(HSPB1):c.380G>A (p.Arg127Gln)

Gene: HSPB1 (heat shock protein family B (small) member 1; plus strand). Cytogenetic location: 7q11.23.
Variant type: single nucleotide variant.
Coding change: c.380G>A on transcript NM_001540.5 (MANE Select); coding-DNA position 380, G replaced by A.
Protein change: p.Arg127Gln; replaces arginine 127 with glutamine.
Molecular consequence: missense variant.
Genome position (GRCh38, 1-based): chr7:76,303,817, G>A. VCF-style: chr7-76303817-G-A. GRCh37 (hg19) VCF-style: chr7-75933134-G-A.
Other names: c.380G>A (LRG_248t1); short protein forms R127Q.
Identifiers: ClinVar variation 533815 (VCV000533815.13), dbSNP rs587781250, ClinGen allele CA367765338.